The following is an entry in ClinVar:

ClinVar aggregate classification (germline): Uncertain significance (1 of 4 stars; one submission).

Conditions:
Arginine:glycine amidinotransferase deficiency (CCDS3). Also called: AGAT deficiency; Cerebral creatine deficiency syndrome 3; L-Arginine:Glycine Amidinotransferase Deficiency; Creatine deficiency syndrome due to AGAT deficiency; GATM deficiency; L-Arginine:Glycine Amidinotransferase (AGAT) Deficiency. Identifiers: Orphanet 35704, MedGen C2675179, MONDO:0012996, OMIM 612718.

Allele frequency attached by ClinVar (database versions not stated): TOPMed below 0.00001; gnomAD 0.00001.
gnomAD v4.1: 1 of 1,613,982 alleles (0.000062%); highest among the groups gnomAD compares: Non-Finnish European, 0.000085%; no homozygotes.

Submission:

Labcorp Genetics (formerly Invitae), Labcorp
Classification: Uncertain significance for Arginine:glycine amidinotransferase deficiency. Last evaluated: 2023-02-23. Review status: criteria provided, single submitter. Criteria: Invitae Variant Classification Sherloc (09022015). Collection method: clinical testing. Allele origin: germline.
Comment: This sequence change replaces isoleucine, which is neutral and non-polar, with valine, which is neutral and non-polar, at codon 200 of the GATM protein (p.Ile200Val). In summary, the available evidence is currently insufficient to determine the role of this variant in disease. Therefore, it has been classified as a Variant of Uncertain Significance. ClinVar contains an entry for this variant (Variation ID: 1036533). This variant is not present in population databases (gnomAD no frequency). This variant has not been reported in the literature in individuals affected with GATM-related conditions. Advanced modeling of protein sequence and biophysical properties (such as structural, functional, and spatial information, amino acid conservation, physicochemical variation, residue mobility, and thermodynamic stability) performed at Invitae indicates that this missense variant is not expected to disrupt GATM protein function.

NM_001482.3(GATM):c.598A>G (p.Ile200Val)

Gene: GATM (glycine amidinotransferase; minus strand). Cytogenetic location: 15q21.1.
Variant type: single nucleotide variant.
Coding change: c.598A>G on transcript NM_001482.3 (MANE Select); coding-DNA position 598, A replaced by G.
Protein change: p.Ile200Val; replaces isoleucine 200 with valine.
Molecular consequence: missense variant.
Genome position (GRCh38, 1-based): chr15:45,368,147, T>C on the plus strand (A>G on the coding strand, the complement: GATM is on the minus strand). VCF-style: chr15-45368147-T-C. GRCh37 (hg19) VCF-style: chr15-45660345-T-C.
Other names: c.211A>G, p.Ile71Val (NM_001321015.2); short protein forms I71V, I200V.
Identifiers: ClinVar variation 1036533 (VCV001036533.8), dbSNP rs1171642313, ClinGen allele CA392260876.